The following is an entry in ClinVar:

ClinVar aggregate classification (germline): Likely benign (1 of 4 stars; one submission).

Submission:

CeGaT Center for Human Genetics Tuebingen
Classification: Likely benign. Last evaluated: 2026-03-01. Review status: criteria provided, single submitter. Criteria: CeGaT Center For Human Genetics Tuebingen Variant Classification Criteria Version 2. Collection method: clinical testing. Allele origin: germline. Affected: yes. Observed: 11 variant alleles.
Comment: NOP2: PM2:Supporting, BP4, BP7

NM_001258308.2(NOP2):c.475-261A>G

Gene: NOP2 (NOP2 nucleolar protein; minus strand). Cytogenetic location: 12p13.31.
Variant type: single nucleotide variant.
Coding change: c.475-261A>G on transcript NM_001258308.2 (MANE Select); 261 bases into the intron before coding-DNA position 475, A replaced by G.
Molecular consequence: intron variant. On other transcripts: synonymous variant (1).
Genome position (GRCh38, 1-based): chr12:6,564,207, T>C on the plus strand (A>G on the coding strand, the complement: NOP2 is on the minus strand). VCF-style: chr12-6564207-T-C. GRCh37 (hg19) VCF-style: chr12-6673373-T-C.
Other names: c.516A>G, p.Pro172= (NM_001258309.2); c.463-261A>G (NM_006170.4, NM_001258310.2, NM_001033714.3).
Identifiers: ClinVar variation 2642619 (VCV002642619.24), dbSNP rs1378950513, ClinGen allele CA478144736.
Genomic context (GRCh38, chr12:6,564,207, plus strand): 5'-CACCTGTAAATCCCAGCTACTTGGGAAGCTGAGGCAGGAGAATTGCTTGAACCCGGGAGG[T>C]GGAGGTTGCAGTGAGCCAAGACCGAGCCACTGCACTCCAGCCTGGGCAACAGAGAAAGAC-3'